The following is an entry in ClinVar:

ClinVar aggregate classification (germline): Benign. Review status: reviewed by expert panel (3 of 4 stars). 5 submissions from 5 submitters: Benign (1). 4 of the submissions do not count toward it. Last evaluated 2025-05-20.

Conditions:
RPGR-related retinopathy. Also called: RPGR retinopathy. Identifiers: MedGen CN305589, MONDO:0100437.
Primary ciliary dyskinesia. Also called: Ciliary dyskinesia. Identifiers: Orphanet 244, MedGen C0008780, MONDO:0016575, HP:0012265.
Retinal dystrophy. Also called: Inherited retinal dystrophy. Identifiers: Orphanet 71862, MedGen C0854723, MeSH D058499, MONDO:0019118, HP:0000556.

Allele frequency attached by ClinVar (database versions not stated): gnomAD 0.00004 and 0.00003; TOPMed 0.00006; gnomAD exomes 0.00007 and 0.00001; ExAC 0.00001; ESP Exome Variant Server 0.00009.
gnomAD v4.1: 59 of 956,413 alleles (0.0062%); highest among the groups gnomAD compares: Non-Finnish European, 0.0082%; no homozygotes.

Submissions (6):

ClinGen X-linked Inherited Retinal Disease Variant Curation Expert Panel, ClinGen
Classification: Benign for RPGR-related retinopathy. Last evaluated: 2025-05-20. Review status: reviewed by expert panel. Criteria: ClinGen X LinkedIRD ACMG Specifications RPGR V1.0.0. Collection method: curation. Allele origin: germline. Inheritance: X-linked inheritance.
Comment: NM_001034853.2(RPGR):c.1508C>G is a missense variant encoding substitution of threonine with arginine at amino acid 503. This variant is present in gnomAD v4.1.0 at a frequency of 0.00006126 among hemizygous individuals, with 15 variant alleles / 244877 total hemizygous alleles (All European (non-Finnish)), which is higher than the ClinGen X-linked IRD VCEP BA1 threshold of >0.00005 (BA1). The computational predictor REVEL gives a score of 0.409, which is between the ClinGen X-linked IRD VCEP thresholds of >0.664 and <0.290 and does not predict a damaging effect on RPGR function. Additionally, the splicing impact predictor SpliceAI gives a score of 0.03, which is below the ClinGen X-linked IRD VCEP recommended threshold of ≥0.2 and does not strongly predict an impact on splicing. Collectively, the BP4 and PP3 codes are not met. In summary, this variant is classified as benign for RPGR-related retinopathy based on the ClinGen X-linked Inherited Retinal Disease Expert Panel Specifications to the ACMG/AMP Variant Interpretation Guidelines for RPGR Version 1.0.0; BA1. (date of approval 05/16/2025).

Ambry Genetics
Classification: Uncertain significance for Primary ciliary dyskinesia. Last evaluated: 2026-06-23. Review status: criteria provided, single submitter. Criteria: Ambry Variant Classification Scheme 2023. Collection method: clinical testing. Allele origin: germline. Not counted in ClinVar's aggregate classification.

Labcorp Genetics (formerly Invitae), Labcorp
Classification: Uncertain significance for Primary ciliary dyskinesia. Last evaluated: 2025-12-11. Review status: criteria provided, single submitter. Criteria: Invitae Variant Classification Sherloc (09022015). Collection method: clinical testing. Allele origin: germline. Not counted in ClinVar's aggregate classification.
Comment: This sequence change replaces threonine, which is neutral and polar, with arginine, which is basic and polar, at codon 503 of the RPGR protein (p.Thr503Arg). This variant is present in population databases (rs374555833, gnomAD 0.009%). This variant has not been reported in the literature in individuals affected with RPGR-related conditions. ClinVar contains an entry for this variant (Variation ID: 958447). An algorithm developed to predict the effect of missense changes on protein structure and function (PolyPhen-2) suggests that this variant is likely to be disruptive. In summary, the available evidence is currently insufficient to determine the role of this variant in disease. Therefore, it has been classified as a Variant of Uncertain Significance.

Blueprint Genetics
Classification: Uncertain significance. Last evaluated: 2023-04-12. Review status: criteria provided, single submitter. Criteria: ACMG Guidelines, 2015. Collection method: clinical testing. Allele origin: germline. Not counted in ClinVar's aggregate classification.

Institute of Human Genetics, Univ. Regensburg, Univ. Regensburg
Classification: Uncertain significance for Retinal dystrophy. Last evaluated: 2007-01-01. Review status: no assertion criteria provided. Criteria: ACMG Guidelines, 2015. Collection method: clinical testing. Allele origin: germline. Affected: yes. Not counted in ClinVar's aggregate classification.

Dr. Peter K. Rogan Lab, Western University
No classification provided (evidence only). Condition: Cervical cancer. Review status: no classification provided. Collection method: in vitro. Allele origin: not applicable. Functional consequence: retained intron. Not counted in ClinVar's aggregate classification.

NM_001034853.2(RPGR):c.1508C>G (p.Thr503Arg)

Gene: RPGR (retinitis pigmentosa GTPase regulator; minus strand). Cytogenetic location: Xp11.4.
Variant type: single nucleotide variant.
Coding change: c.1508C>G on transcript NM_001034853.2 (MANE Select); coding-DNA position 1508, C replaced by G.
Protein change: p.Thr503Arg; replaces threonine 503 with arginine.
Molecular consequence: missense variant. On other transcripts: non-coding transcript variant (6).
Genome position (GRCh38, 1-based): chrX:38,291,023, G>C on the plus strand (C>G on the coding strand, the complement: RPGR is on the minus strand). VCF-style: chrX-38291023-G-C. GRCh37 (hg19) VCF-style: chrX-38150276-G-C.
Other names: NM_001034853.2(RPGR):c.1508C>G; p.Thr503Arg; c.1508C>G, p.Thr503Arg (NM_000328.3, NM_001367247.1); c.1505C>G, p.Thr502Arg (NM_001367245.1, NM_001367249.1, NM_001367250.1); c.1322C>G, p.Thr441Arg (NM_001367246.1, NM_001367251.1); c.1538C>G, p.Thr513Arg (NM_001367248.1); short protein forms T441R, T502R, T503R, T513R.
Identifiers: ClinVar variation 958447 (VCV000958447.17), dbSNP rs374555833, ClinGen allele CA10385456.
Genomic context (GRCh38, chrX:38,291,023, plus strand): 5'-TGTTTCTGAACTGGTGATAATTTTAATGACTTTTCATTGGAATTCAGGCTCATGATGTGT[G>C]TCTGAAATAAATAAAAAATATATATTATAAAAAGAATACAGTATATATACTATATATTTG-3'
Protein context (NP_001030025.1, residues 493-513): LGETTDILNM[Thr503Arg]HIMSLNSNEK